The following is an entry in ClinVar:

NM_003742.4(ABCB11):c.1582del (p.Asp527_Ile528insTer)

Gene: ABCB11 (ATP binding cassette subfamily B member 11; minus strand). Cytogenetic location: 2q31.1.
Variant type: Deletion.
Coding change: c.1582del on transcript NM_003742.4 (MANE Select); coding-DNA position 1582, one base deleted (A; older notation c.1582delA).
Protein change: p.Asp527_Ile528insTer.
Molecular consequence: nonsense.
Genome position (GRCh38, 1-based): chr2:168,971,903, T deleted on the plus strand (A on the coding strand, the reverse complement: ABCB11 is on the minus strand). VCF-style (leftmost placement, unchanged base first): chr2-168971902-AT-A. GRCh37 (hg19) VCF-style: chr2-169828412-AT-A.
Identifiers: ClinVar variation 4846058 (VCV004846058.1).

ClinVar aggregate classification (germline): Pathogenic (1 of 4 stars; one submission).

Conditions:
Familial intrahepatic cholestasis. Identifiers: Orphanet 284385, MedGen CN296401, MONDO:0017290.

Submission:

Genomenon, Inc
Classification: Pathogenic for Familial intrahepatic cholestasis. Last evaluated: 2026-04-14. Review status: criteria provided, single submitter. Criteria: Genomenon Sequence Variant Interpretation Standards - Updated. Collection method: curation. Allele origin: germline. Affected: yes.
Comment: ABCB11 p.Ile528Ter (c.1582del) is a nonsense variant that introduces a premature stop codon at amino acid position 528, creating a truncated protein that is predicted to undergo nonsense-mediated mRNA decay. This variant has been observed in at least one proband with an ABCB11-related disorder (PMID:20232290). It is absent or not present at a significant frequency in gnomAD. In conclusion, we classify ABCB11 p.Ile528Ter (c.1582del) as a pathogenic variant.

Literature cited by the submitters: PubMed 20232290.